The following is an entry in ClinVar:

ClinVar aggregate classification (germline): Pathogenic. Review status: criteria provided, multiple submitters, no conflicts (2 of 4 stars). 4 submissions from 4 submitters: Pathogenic (2). 2 of the submissions do not count toward it. Last evaluated 2025-02-26.

Conditions:
Primary hyperoxaluria, type I (HP1). Also called: GLYCOLIC ACIDURIA; HEPATIC AGT DEFICIENCY; OXALOSIS I; Primary hyperoxaluria type 1. Identifiers: Orphanet 416, Orphanet 93598, MedGen C0268164, MONDO:0009823, OMIM 259900. Disease mechanism: loss of function.

Allele frequency attached by ClinVar (database versions not stated): gnomAD exomes below 0.00001.

Submissions (4):

Natera, Inc.
Classification: Pathogenic for Primary hyperoxaluria type I. Last evaluated: 2025-02-26. Review status: criteria provided, single submitter. Criteria: Natera Variant Classification Schema (03/2026). Collection method: clinical testing. Allele origin: germline.
Comment: The c.996G>A variant in AGXT is a nonsense variant predicted to introduce a stop codon at amino acid 332. This variant is expected to result in nonsense mediated decay, truncation, or a dysfunctional protein product. This variant is rare in the general population with a frequency below the threshold expected for the associated phenotype(s). This variant has been observed in one or more individuals affected with the associated recessive disease, as either homozygous or compound heterozygous with a second variant (PMID: 33691640). Given the available evidence, this variant is classified as Pathogenic.

Labcorp Genetics (formerly Invitae), Labcorp
Classification: Pathogenic. Last evaluated: 2021-02-16. Review status: criteria provided, single submitter. Criteria: Invitae Variant Classification Sherloc (09022015). Collection method: clinical testing. Allele origin: germline.
Comment: For these reasons, this variant has been classified as Pathogenic. This variant has been observed in individual(s) with primary hyperoxaluria (PMID: 25629080). ClinVar contains an entry for this variant (Variation ID: 204141). This variant is not present in population databases (ExAC no frequency). This sequence change creates a premature translational stop signal (p.Trp332*) in the AGXT gene. It is expected to result in an absent or disrupted protein product. Loss-of-function variants in AGXT are known to be pathogenic (PMID: 19479957).

Counsyl
Classification: Likely pathogenic for Primary hyperoxaluria, type I. Last evaluated: 2016-10-10. Review status: no assertion criteria provided. Collection method: clinical testing. Allele origin: unknown. Not counted in ClinVar's aggregate classification.

Clinical Biochemistry Laboratory, Health Services Laboratory
Classification: Pathogenic for Primary hyperoxaluria, type I. Last evaluated: 2014-11-27. Review status: no assertion criteria provided. Collection method: in vivo. Allele origin: germline. Affected: yes. Not counted in ClinVar's aggregate classification.

Literature cited by the submitters: PubMed 33691640 (cited by Natera, Inc.); PubMed 25629080 (cited by Labcorp Genetics (formerly Invitae), Labcorp and Counsyl); PubMed 19479957 (cited by Labcorp Genetics (formerly Invitae), Labcorp).

NM_000030.3(AGXT):c.996G>A (p.Trp332Ter)

Gene: AGXT (alanine--glyoxylate aminotransferase; plus strand). Cytogenetic location: 2q37.3.
Variant type: single nucleotide variant.
Coding change: c.996G>A on transcript NM_000030.3 (MANE Select); coding-DNA position 996, G replaced by A.
Protein change: p.Trp332Ter; replaces tryptophan 332 with a stop codon.
Molecular consequence: nonsense.
Genome position (GRCh38, 1-based): chr2:240,878,075, G>A. VCF-style: chr2-240878075-G-A. GRCh37 (hg19) VCF-style: chr2-241817492-G-A.
Other names: short protein forms W332*.
Identifiers: ClinVar variation 204141 (VCV000204141.13), dbSNP rs796052064, ClinGen allele CA275769.
Genomic context (GRCh38, chr2:240,878,075, plus strand): 5'-CCTGCAGGCGCTCCGGCTTCCCACAGTCACCACTGTGGCTGTACCCGCTGGCTATGACTG[G>A]AGAGACATCGTCAGCTACGTCATAGACCACTTCGACATTGAGATCATGGGTGGCCTTGGG-3'